The following is an entry in ClinVar:

ClinVar aggregate classification (germline): Likely benign. Review status: criteria provided, multiple submitters, no conflicts (2 of 4 stars). 3 submissions from 3 submitters: Likely benign (3). Last evaluated 2024-07-31.

Conditions:
Rhabdoid tumor predisposition syndrome 2 (RTPS2). Identifiers: Orphanet 231108, Orphanet 69077, MedGen C2750074, MONDO:0013224, OMIM 613325.
Hereditary cancer-predisposing syndrome. Also called: Hereditary neoplastic syndrome; Neoplastic Syndromes, Hereditary; Tumor predisposition; Hereditary Cancer Syndrome. Identifiers: Orphanet 140162, MedGen C0027672, MeSH D009386, MONDO:0015356.

Allele frequency attached by ClinVar (database versions not stated): gnomAD exomes below 0.00001.

Submissions (3):

Labcorp Genetics (formerly Invitae), Labcorp
Classification: Likely benign for Rhabdoid tumor predisposition syndrome 2. Last evaluated: 2024-07-31. Review status: criteria provided, single submitter. Criteria: Invitae Variant Classification Sherloc (09022015). Collection method: clinical testing. Allele origin: germline.

CeGaT Center for Human Genetics Tuebingen
Classification: Likely benign. Last evaluated: 2023-08-01. Review status: criteria provided, single submitter. Criteria: CeGaT Center For Human Genetics Tuebingen Variant Classification Criteria Version 2. Collection method: clinical testing. Allele origin: germline. Affected: yes. Observed: 1 variant allele.
Comment: SMARCA4: PM2:Supporting, BP4, BP7

Ambry Genetics
Classification: Likely benign for Hereditary cancer-predisposing syndrome. Last evaluated: 2020-02-14. Review status: criteria provided, single submitter. Criteria: Ambry Variant Classification Scheme 2023. Collection method: clinical testing. Allele origin: germline.

NM_003072.5(SMARCA4):c.2538C>T (p.Pro846=)

Gene: SMARCA4 (SWI/SNF related BAF chromatin remodeling complex subunit ATPase 4; plus strand). Cytogenetic location: 19p13.2.
Variant type: single nucleotide variant.
Coding change: c.2538C>T on transcript NM_003072.5 (MANE Select); coding-DNA position 2538, C replaced by T.
Protein change: p.Pro846=; no amino-acid change (proline 846 retained).
Molecular consequence: synonymous variant. On other transcripts: non-coding transcript variant (1).
Genome position (GRCh38, 1-based): chr19:11,019,623, C>T. VCF-style: chr19-11019623-C-T. GRCh37 (hg19) VCF-style: chr19-11130299-C-T.
Other names: c.2538C>T, p.Pro846= (NM_001128844.3, NM_001128845.2, NM_001128846.2 and 6 more transcripts).
Identifiers: ClinVar variation 1792778 (VCV001792778.28), dbSNP rs1018442444, ClinGen allele CA505490235.